The following is an entry in ClinVar:

ClinVar aggregate classification (germline): Benign/Likely benign. Review status: criteria provided, multiple submitters, no conflicts (2 of 4 stars). 4 submissions from 4 submitters: Benign (3); Likely benign (1). Last evaluated 2023-07-01.

Allele frequency attached by ClinVar (database versions not stated): gnomAD exomes 0.00086; TOPMed 0.00459; 1000 Genomes Project 0.00599; 1000 Genomes Project 30x 0.00625.
gnomAD v4.1: 1,464 of 1,012,398 alleles (0.14%); highest among the groups gnomAD compares: African/African-American, 1.3%; 9 homozygotes.

Submissions (4):

CeGaT Center for Human Genetics Tuebingen
Classification: Benign. Last evaluated: 2023-07-01. Review status: criteria provided, single submitter. Criteria: CeGaT Center For Human Genetics Tuebingen Variant Classification Criteria Version 2. Collection method: clinical testing. Allele origin: germline. Affected: yes. Observed: 2 variant alleles.
Comment: SMAD3: BS1, BS2

Blueprint Genetics
Classification: Likely benign. Last evaluated: 2018-05-16. Review status: criteria provided, single submitter. Criteria: ACMG Guidelines, 2015. Collection method: clinical testing. Allele origin: germline.

GeneDx
Classification: Benign. Last evaluated: 2014-08-15. Review status: criteria provided, single submitter. Criteria: GeneDx Variant Classification (06012015). Collection method: clinical testing. Allele origin: germline. Affected: yes.
Comment: This variant is considered likely benign or benign based on one or more of the following criteria: it is a conservative change, it occurs at a poorly conserved position in the protein, it is predicted to be benign by multiple in silico algorithms, and/or has population frequency not consistent with disease.

Breakthrough Genomics
Classification: Benign. Review status: criteria provided, single submitter. Criteria: ACMG Guidelines, 2015. Collection method: not provided. Allele origin: germline. Inheritance: Autosomal dominant inheritance. Affected: yes.

NM_005902.4(SMAD3):c.533-589G>A

Gene: SMAD3 (SMAD family member 3; plus strand). Cytogenetic location: 15q22.33.
Variant type: single nucleotide variant.
Coding change: c.533-589G>A on transcript NM_005902.4 (MANE Select); 589 bases into the intron before coding-DNA position 533, G replaced by A.
Molecular consequence: intron variant. On other transcripts: 5 prime UTR variant (1).
Genome position (GRCh38, 1-based): chr15:67,166,190, G>A. VCF-style: chr15-67166190-G-A. GRCh37 (hg19) VCF-style: chr15-67458528-G-A.
Other names: c.-57G>A (NM_001145104.2); c.218-589G>A (NM_001145102.2); c.401-589G>A (NM_001145103.2).
Identifiers: ClinVar variation 213753 (VCV000213753.32), dbSNP rs112991343, ClinGen allele CA321062.